The following is an entry in ClinVar:

NM_000488.4(SERPINC1):c.118T>C (p.Cys40Arg)

Gene: SERPINC1 (serpin family C member 1; minus strand). Cytogenetic location: 1q25.1.
Variant type: single nucleotide variant.
Coding change: c.118T>C on transcript NM_000488.4 (MANE Select); coding-DNA position 118, T replaced by C.
Protein change: p.Cys40Arg; replaces cysteine 40 with arginine.
Molecular consequence: missense variant. On other transcripts: 5 prime UTR variant (1).
Genome position (GRCh38, 1-based): chr1:173,914,843, A>G on the plus strand (T>C on the coding strand, the complement: SERPINC1 is on the minus strand). VCF-style: chr1-173914843-A-G. GRCh37 (hg19) VCF-style: chr1-173883981-A-G.
Other names: c.-27T>C (NM_001365052.2); c.118T>C, p.Cys40Arg (NM_001386302.1, NM_001386304.1, NM_001386305.1 and 1 more transcripts); c.199T>C, p.Cys67Arg (NM_001386303.1); short protein forms C40R, C67R.
Identifiers: ClinVar variation 4776411 (VCV004776411.1).

ClinVar aggregate classification (germline): Likely pathogenic (1 of 4 stars; one submission).

Conditions:
Hereditary antithrombin deficiency (AT3D). Also called: Antithrombin III deficiency; Thrombophilia due to antithrombin III deficiency; Reduced antithrombin III activity; Antithrombin deficiency. Identifiers: Orphanet 82, MedGen C0272375, MONDO:0013144, OMIM 613118, HP:0001976.

gnomAD v4.1: 1 of 1,614,136 alleles (0.000062%); highest among the groups gnomAD compares: Admixed American, 0.0017%; no homozygotes.

Submission:

Labcorp Genetics (formerly Invitae), Labcorp
Classification: Likely pathogenic for Hereditary antithrombin deficiency. Last evaluated: 2025-06-22. Review status: criteria provided, single submitter. Criteria: Invitae Variant Classification Sherloc (09022015). Collection method: clinical testing. Allele origin: germline.
Comment: This sequence change replaces cysteine, which is neutral and slightly polar, with arginine, which is basic and polar, at codon 40 of the SERPINC1 protein (p.Cys40Arg). This variant is not present in population databases (gnomAD no frequency). This missense change has been observed in individual(s) with hereditary antithrombin deficiency (PMID: 28300866). Invitae Evidence Modeling of protein sequence and biophysical properties (such as structural, functional, and spatial information, amino acid conservation, physicochemical variation, residue mobility, and thermodynamic stability) indicates that this missense variant is expected to disrupt SERPINC1 protein function with a positive predictive value of 95%. In summary, the currently available evidence indicates that the variant is pathogenic, but additional data are needed to prove that conclusively. Therefore, this variant has been classified as Likely Pathogenic.

Literature cited by the submitters: PubMed 28300866.